The following is an entry in ClinVar:

NM_018941.4(CLN8):c.806A>T (p.Glu269Val)

Gene: CLN8 (CLN8 transmembrane ER and ERGIC protein; plus strand). Cytogenetic location: 8p23.3.
Variant type: single nucleotide variant.
Coding change: c.806A>T on transcript NM_018941.4 (MANE Select); coding-DNA position 806, A replaced by T.
Protein change: p.Glu269Val; replaces glutamic acid 269 with valine.
Molecular consequence: missense variant.
Genome position (GRCh38, 1-based): chr8:1,780,512, A>T. VCF-style: chr8-1780512-A-T. GRCh37 (hg19) VCF-style: chr8-1728678-A-T.
Other names: p.E269V:GAA>GTA; short protein forms E269V.
Identifiers: ClinVar variation 196493 (VCV000196493.59), dbSNP rs139003032, ClinGen allele CA243465.

ClinVar aggregate classification (germline): Conflicting classifications of pathogenicity. Review status: criteria provided, conflicting classifications (1 of 4 stars). 15 submissions from 15 submitters: Uncertain significance (7); Benign (1); Likely benign (4). 3 of the submissions do not count toward it. Last evaluated 2026-01-24.

Conditions:
CLN8-related disorder. Also called: CLN8-related condition.
Inborn genetic diseases. Identifiers: MedGen C0950123, MeSH D030342.
Neuronal ceroid lipofuscinosis 8 northern epilepsy variant. Also called: EPILEPSY, PROGRESSIVE, WITH MENTAL RETARDATION; NORTHERN EPILEPSY. Identifiers: Orphanet 1947, MedGen C1864923, MONDO:0012391, OMIM 610003.
Neuronal ceroid lipofuscinosis 8 (CLN8). Also called: CLN8-Related Neuronal Ceroid-Lipofuscinosis. Identifiers: Orphanet 168491, Orphanet 228354, Orphanet 79264, MedGen C1838570, MONDO:0010830, OMIM 600143.
Neuronal ceroid lipofuscinosis. Also called: Neuronal Ceroid Lipofuscinoses. Identifiers: Orphanet 216, Orphanet 79263, MedGen C0027877, MONDO:0016295. Disease mechanism: loss of function.

Allele frequency attached by ClinVar (database versions not stated): gnomAD 0.00016; TOPMed 0.00016; ESP Exome Variant Server 0.00023.
gnomAD v4.1: 399 of 1,614,244 alleles (0.025%); highest among the groups gnomAD compares: Middle Eastern, 1.1%; 3 homozygotes.

Submissions (15):

Labcorp Genetics (formerly Invitae), Labcorp
Classification: Benign for Neuronal ceroid lipofuscinosis. Last evaluated: 2026-01-24. Review status: criteria provided, single submitter. Criteria: Invitae Variant Classification Sherloc (09022015). Collection method: clinical testing. Allele origin: germline.

Women's Health and Genetics/Laboratory Corporation of America, LabCorp
Classification: Uncertain significance. Last evaluated: 2025-09-22. Review status: criteria provided, single submitter. Criteria: LabCorp Variant Classification Summary - May 2015. Collection method: clinical testing. Allele origin: germline.
Comment: Variant summary: CLN8 c.806A>T (p.Glu269Val) results in a non-conservative amino acid change in the encoded protein sequence. Algorithms developed to predict the effect of missense changes on protein structure and function are either unavailable or do not agree on the potential impact of this missense change. The variant allele was found at a frequency of 0.00033 in 251112 control chromosomes in the gnomAD database, including 2 homozygotes. This frequency is not significantly higher than estimated for disease-causing variants in CLN8, allowing no conclusion about variant significance. c.806A>T has been observed in individuals affected with Neuronal Ceroid-Lipofuscinosis (Batten Disease), including one patient in the homozygous state (Kousi_2011, Alfares_2017). However, these reports do not provide unequivocal conclusions about association of the variant with Neuronal Ceroid-Lipofuscinosis (Batten Disease). To our knowledge, no experimental evidence demonstrating an impact on protein function has been reported. The following publications have been ascertained in the context of this evaluation (PMID: 28454995, 28468868, 21990111). ClinVar contains an entry for this variant (Variation ID: 196493). Based on the evidence outlined above, the variant was classified as uncertain significance.

Blueprint Genetics
Classification: Likely benign. Last evaluated: 2024-11-08. Review status: criteria provided, single submitter. Criteria: ACMG Guidelines, 2015. Collection method: clinical testing. Allele origin: germline.

CeGaT Center for Human Genetics Tuebingen
Classification: Uncertain significance. Last evaluated: 2023-05-01. Review status: criteria provided, single submitter. Criteria: CeGaT Center For Human Genetics Tuebingen Variant Classification Criteria Version 2. Collection method: clinical testing. Allele origin: germline. Affected: yes. Observed: 1 variant allele.

Myriad Genetics, Inc.
Classification: Uncertain significance for Neuronal ceroid lipofuscinosis 8. Last evaluated: 2021-10-01. Review status: criteria provided, single submitter. Criteria: Myriad Women's Health Autosomal Recessive and X-Linked Classification Criteria (2021). Collection method: clinical testing. Allele origin: unknown.
Comment: NM_018941.3(CLN8):c.806A>T(E269V) is a missense variant classified as a variant of uncertain significance in the context of CLN8-related neuronal ceroid lipofuscinosis. E269V has been observed in cases with relevant disease (PMID: 28454995, 21990111). Functional assessments of this variant are not available in the literature. E269V has been observed in population frequency databases (gnomAD: SAS 0.06%). In summary, there is insufficient evidence to classify NM_018941.3(CLN8):c.806A>T(E269V) as pathogenic or benign. Please note: this variant was assessed in the context of healthy population screening.

Mayo Clinic Laboratories, Mayo Clinic
Classification: Uncertain significance. Last evaluated: 2021-05-20. Review status: criteria provided, single submitter. Criteria: ACMG Guidelines, 2015. Collection method: clinical testing. Allele origin: germline.

Dubai Health Genomic Medicine Center, Dubai Health
Classification: Likely benign. Last evaluated: 2020-01-06. Review status: criteria provided, single submitter. Criteria: ACMG Guidelines, 2015. Collection method: clinical testing. Allele origin: germline. Affected: yes.

Ambry Genetics
Classification: Likely benign for Inborn genetic diseases. Last evaluated: 2019-07-19. Review status: criteria provided, single submitter. Criteria: Ambry Variant Classification Scheme 2023. Collection method: clinical testing. Allele origin: germline.

Laboratorio de Genetica e Diagnostico Molecular, Hospital Israelita Albert Einstein
Classification: Uncertain significance. Last evaluated: 2019-06-17. Review status: criteria provided, single submitter. Criteria: ACMG Guidelines, 2015. Collection method: clinical testing. Allele origin: germline. Affected: yes.
Comment: ACMG classification criteria: PP3, BS1

GeneDx
Classification: Likely benign. Last evaluated: 2017-10-26. Review status: criteria provided, single submitter. Criteria: GeneDx Variant Classification (06012015). Collection method: clinical testing. Allele origin: germline. Affected: yes.
Comment: This variant is considered likely benign or benign based on one or more of the following criteria: it is a conservative change, it occurs at a poorly conserved position in the protein, it is predicted to be benign by multiple in silico algorithms, and/or has population frequency not consistent with disease.

Fulgent Genetics
Classification: Uncertain significance for Neuronal ceroid lipofuscinosis 8; Neuronal ceroid lipofuscinosis 8 northern epilepsy variant. Last evaluated: 2017-05-23. Review status: criteria provided, single submitter. Criteria: ACMG Guidelines, 2015. Collection method: clinical testing. Allele origin: unknown.

Eurofins Ntd Llc (ga)
Classification: Uncertain significance. Last evaluated: 2015-01-22. Review status: criteria provided, single submitter. Criteria: EGL Classification Definitions 2015. Collection method: clinical testing. Allele origin: germline. Observed: 2 variant alleles, 2 heterozygotes.

PreventionGenetics, part of Exact Sciences
Classification: Likely benign for CLN8-related condition. Last evaluated: 2022-10-19. Review status: no assertion criteria provided. Collection method: clinical testing. Allele origin: germline. Not counted in ClinVar's aggregate classification.
Comment: This variant is classified as likely benign based on ACMG/AMP sequence variant interpretation guidelines (Richards et al. 2015 PMID: 25741868, with internal and published modifications).

Natera, Inc.
Classification: Likely benign for Neuronal ceroid lipofuscinosis 8. Last evaluated: 2020-10-13. Review status: no assertion criteria provided. Collection method: clinical testing. Allele origin: germline. Not counted in ClinVar's aggregate classification.

Biochemical Molecular Genetic Laboratory, King Abdulaziz Medical City
Classification: Likely pathogenic for Neuronal ceroid lipofuscinosis 8. Last evaluated: 2019-09-26. Review status: no assertion criteria provided. Collection method: clinical testing. Allele origin: germline. Affected: yes. Not counted in ClinVar's aggregate classification.

Literature cited by the submitters: PubMed 21990111 (cited by 3 submitters); PubMed 28468868 (cited by Women's Health and Genetics/Laboratory Corporation of America, LabCorp); PubMed 28454995 (cited by 3 submitters); PubMed 27884173 (cited by Ambry Genetics).